The following is an entry in ClinVar:

ClinVar aggregate classification (germline): Conflicting classifications of pathogenicity. Review status: criteria provided, conflicting classifications (1 of 4 stars). 2 submissions from 2 submitters: Uncertain significance (1); Likely benign (1). Last evaluated 2025-08-09.

Allele frequency attached by ClinVar (database versions not stated): ESP Exome Variant Server 0.00038; gnomAD exomes 0.00061; ExAC 0.00064; gnomAD 0.00101; 1000 Genomes Project 30x 0.00109; 1000 Genomes Project 0.00140.
gnomAD v4.1: 1,137 of 1,613,936 alleles (0.07%); highest among the groups gnomAD compares: Middle Eastern, 0.49%; 5 homozygotes.

Submissions (2):

Ambry Genetics
Classification: Uncertain significance. Last evaluated: 2025-08-09. Review status: criteria provided, single submitter. Criteria: Ambry Variant Classification Scheme 2023. Collection method: clinical testing. Allele origin: germline.

CeGaT Center for Human Genetics Tuebingen
Classification: Likely benign. Last evaluated: 2024-02-01. Review status: criteria provided, single submitter. Criteria: CeGaT Center For Human Genetics Tuebingen Variant Classification Criteria Version 2. Collection method: clinical testing. Allele origin: germline. Affected: yes. Observed: 1 variant allele.
Comment: NOP14: BP4

NM_001291978.2(NOP14):c.2245C>T (p.Leu749Phe)

Genes: NOP14 (NOP14 nucleolar protein; minus strand), NOP14-AS1 (NOP14 antisense RNA 1; plus strand). Cytogenetic location: 4p16.3.
Variant type: single nucleotide variant.
Coding change: c.2245C>T on transcript NM_001291978.2 (MANE Select); coding-DNA position 2245, C replaced by T.
Protein change: p.Leu749Phe; replaces leucine 749 with phenylalanine.
Molecular consequence: missense variant.
Genome position (GRCh38, 1-based): chr4:2,939,600, G>A on the plus strand (C>T on the coding strand, the complement: NOP14 is on the minus strand). VCF-style: chr4-2939600-G-A. GRCh37 (hg19) VCF-style: chr4-2941327-G-A.
Other names: c.2245C>T, p.Leu749Phe (NM_001291979.2, NM_003703.3); short protein forms L749F.
Identifiers: ClinVar variation 2399796 (VCV002399796.25), dbSNP rs149423815, ClinGen allele CA2821406.